The following is an entry in ClinVar:

ClinVar aggregate classification (germline): Uncertain significance (1 of 4 stars; one submission).

Conditions:
Brachyolmia-amelogenesis imperfecta syndrome. Also called: PLATYSPONDYLY WITH AMELOGENESIS IMPERFECTA; Tooth agenesis, selective, 6; Dental anomalies and short stature. Identifiers: Orphanet 2899, MedGen C1832594, MONDO:0011018, OMIM 601216. Disease mechanism: loss of function.

Submission:

Labcorp Genetics (formerly Invitae), Labcorp
Classification: Uncertain significance for Brachyolmia-amelogenesis imperfecta syndrome. Last evaluated: 2024-12-09. Review status: criteria provided, single submitter. Criteria: Invitae Variant Classification Sherloc (09022015). Collection method: clinical testing. Allele origin: germline.
Comment: This sequence change replaces alanine, which is neutral and non-polar, with glycine, which is neutral and non-polar, at codon 1061 of the LTBP3 protein (p.Ala1061Gly). This variant is not present in population databases (gnomAD no frequency). This variant has not been reported in the literature in individuals affected with LTBP3-related conditions. An algorithm developed to predict the effect of missense changes on protein structure and function (PolyPhen-2) suggests that this variant is likely to be tolerated. In summary, the available evidence is currently insufficient to determine the role of this variant in disease. Therefore, it has been classified as a Variant of Uncertain Significance.

NM_001130144.3(LTBP3):c.3182C>G (p.Ala1061Gly)

Genes: LTBP3 (latent transforming growth factor beta binding protein 3; minus strand), LOC121832793 (Sharpr-MPRA regulatory region 4001; plus strand). Cytogenetic location: 11q13.1.
Variant type: single nucleotide variant.
Coding change: c.3182C>G on transcript NM_001130144.3 (MANE Select); coding-DNA position 3182, C replaced by G.
Protein change: p.Ala1061Gly; replaces alanine 1061 with glycine.
Molecular consequence: missense variant.
Genome position (GRCh38, 1-based): chr11:65,540,307, G>C on the plus strand (C>G on the coding strand, the complement: LTBP3 is on the minus strand). VCF-style: chr11-65540307-G-C. GRCh37 (hg19) VCF-style: chr11-65307778-G-C.
Other names: c.2831C>G, p.Ala944Gly (NM_001164266.1); c.3182C>G, p.Ala1061Gly (NM_021070.4); short protein forms A944G, A1061G.
Identifiers: ClinVar variation 3691590 (VCV003691590.2).
Genomic context (GRCh38, chr11:65,540,307, plus strand): 5'-ATCTCTTCCGGGCTCAGGCACTGGCGCTGCGCGGGACTGTACTCGGCAGGGGGCGTGCAG[G>C]CACAGCGGTAGCCGCCGCGCGTGTTCTCACACACTCCGTTCCGGCAGTTGGACTCGTCCA-3'
Protein context (NP_001123616.1, residues 1051-1071): CENTRGGYRC[Ala1061Gly]CTPPAEYSPA